The following is an entry in ClinVar:

NM_001004434.3(SLC30A2):c.-2G>A

Gene: SLC30A2 (solute carrier family 30 member 2; minus strand). Cytogenetic location: 1p36.11.
Variant type: single nucleotide variant.
Coding change: c.-2G>A on transcript NM_001004434.3 (MANE Select); 2 bases upstream of the start codon, G replaced by A.
Molecular consequence: 5 prime UTR variant.
Genome position (GRCh38, 1-based): chr1:26,045,898, C>T on the plus strand (G>A on the coding strand, the complement: SLC30A2 is on the minus strand). VCF-style: chr1-26045898-C-T. GRCh37 (hg19) VCF-style: chr1-26372389-C-T.
Other names: c.-2G>A (NM_032513.5).
Identifiers: ClinVar variation 3045502 (VCV003045502.2), dbSNP rs146020822, ClinGen allele CA699406.

ClinVar aggregate classification (germline): Likely benign (0 of 4 stars; one submission).

Conditions:
SLC30A2-related disorder. Also called: SLC30A2-related condition.

Allele frequency attached by ClinVar (database versions not stated): gnomAD exomes 0.00010; ExAC 0.00033; ESP Exome Variant Server 0.00092; gnomAD 0.00100; TOPMed 0.00109; 1000 Genomes Project 0.00120; 1000 Genomes Project 30x 0.00125.

Submission:

PreventionGenetics, part of Exact Sciences
Classification: Likely benign for SLC30A2-related condition. Last evaluated: 2019-12-24. Review status: no assertion criteria provided. Collection method: clinical testing. Allele origin: germline.
Comment: This variant is classified as likely benign based on ACMG/AMP sequence variant interpretation guidelines (Richards et al. 2015 PMID: 25741868, with internal and published modifications).